The following is an entry in ClinVar:

ClinVar aggregate classification (germline): Uncertain significance (1 of 4 stars; one submission).

Conditions:
Early-infantile DEE. Also called: Early infantile epileptic encephalopathy; Early infantile epileptic encephalopathy with suppression bursts; Ohtahara syndrome. Identifiers: Orphanet 1934, MedGen C0393706, MONDO:0800491.

Allele frequency attached by ClinVar (database versions not stated): gnomAD exomes below 0.00001.
gnomAD v4.1: 1 of 1,612,016 alleles (0.000062%); highest among the groups gnomAD compares: East Asian, 0.0022%; no homozygotes.

Submission:

Labcorp Genetics (formerly Invitae), Labcorp
Classification: Uncertain significance for Early-infantile DEE. Last evaluated: 2022-12-09. Review status: criteria provided, single submitter. Criteria: Invitae Variant Classification Sherloc (09022015). Collection method: clinical testing. Allele origin: germline.
Comment: In summary, the available evidence is currently insufficient to determine the role of this variant in disease. Therefore, it has been classified as a Variant of Uncertain Significance. Advanced modeling of protein sequence and biophysical properties (such as structural, functional, and spatial information, amino acid conservation, physicochemical variation, residue mobility, and thermodynamic stability) performed at Invitae indicates that this missense variant is expected to disrupt SCN1A protein function. This variant has not been reported in the literature in individuals affected with SCN1A-related conditions. This variant is not present in population databases (gnomAD no frequency). This sequence change replaces cysteine, which is neutral and slightly polar, with glycine, which is neutral and non-polar, at codon 1192 of the SCN1A protein (p.Cys1192Gly).

NM_001165963.4(SCN1A):c.3574T>G (p.Cys1192Gly)

Genes: SCN1A (sodium voltage-gated channel alpha subunit 1; minus strand), LOC102724058 (uncharacterized LOC102724058; plus strand). Cytogenetic location: 2q24.3.
Variant type: single nucleotide variant.
Coding change: c.3574T>G on transcript NM_001165963.4 (MANE Select); coding-DNA position 3574, T replaced by G.
Protein change: p.Cys1192Gly; replaces cysteine 1192 with glycine.
Molecular consequence: missense variant. On other transcripts: non-coding transcript variant (1).
Genome position (GRCh38, 1-based): chr2:166,013,875, A>C on the plus strand (T>G on the coding strand, the complement: SCN1A is on the minus strand). VCF-style: chr2-166013875-A-C. GRCh37 (hg19) VCF-style: chr2-166870385-A-C.
Other names: c.3490T>G, p.Cys1164Gly (NM_001165964.3, NM_001353957.2, NM_001353958.2); c.3574T>G, p.Cys1192Gly (NM_001202435.3, NM_001353948.2); c.3541T>G, p.Cys1181Gly (NM_001353949.2, NM_001353950.2, NM_001353951.2 and 2 more transcripts); c.3538T>G, p.Cys1180Gly (NM_001353954.2, NM_001353955.2); c.3487T>G, p.Cys1163Gly (NM_001353960.2); c.1132T>G, p.Cys378Gly (NM_001353961.2); short protein forms C1164G, C1180G, C1163G, C1181G, C1192G, C378G.
Identifiers: ClinVar variation 2810930 (VCV002810930.3), dbSNP rs2468532777, ClinGen allele CA349056321.